The following is an entry in ClinVar:

NM_001278512.2(AP3B2):c.2930G>A (p.Arg977Gln)

Genes: AP3B2 (adaptor related protein complex 3 subunit beta 2; minus strand), CPEB1-AS1 (CPEB1 antisense RNA 1; plus strand). Cytogenetic location: 15q25.2.
Variant type: single nucleotide variant.
Coding change: c.2930G>A on transcript NM_001278512.2 (MANE Select); coding-DNA position 2930, G replaced by A.
Protein change: p.Arg977Gln; replaces arginine 977 with glutamine.
Molecular consequence: missense variant.
Genome position (GRCh38, 1-based): chr15:82,661,911, C>T on the plus strand (G>A on the coding strand, the complement: AP3B2 is on the minus strand). VCF-style: chr15-82661911-C-T. GRCh37 (hg19) VCF-style: chr15-83330663-C-T.
Other names: c.2777G>A, p.Arg926Gln (NM_001278511.2); c.62G>A, p.Arg21Gln (NM_001348441.2); c.2873G>A, p.Arg958Gln (NM_004644.5); short protein forms R21Q, R926Q, R958Q, R977Q.
Identifiers: ClinVar variation 1098698 (VCV001098698.7), dbSNP rs572047686, ClinGen allele CA7699746.

ClinVar aggregate classification (germline): Uncertain significance. Review status: criteria provided, multiple submitters, no conflicts (2 of 4 stars). 3 submissions from 3 submitters: Uncertain significance (3). Last evaluated 2022-07-12.

Conditions:
Developmental and epileptic encephalopathy, 48 (DEE48). Also called: Epileptic encephalopathy, early infantile, 48. Identifiers: MedGen C4310637, MONDO:0015000, OMIM 617276.

Allele frequency attached by ClinVar (database versions not stated): gnomAD exomes 0.00001; ExAC 0.00002; gnomAD 0.00003; TOPMed 0.00003; 1000 Genomes Project 30x 0.00016; 1000 Genomes Project 0.00020.
gnomAD v4.1: 18 of 1,613,632 alleles (0.0011%); highest among the groups gnomAD compares: African/African-American, 0.004%; no homozygotes.

Submissions (3):

Labcorp Genetics (formerly Invitae), Labcorp
Classification: Uncertain significance. Last evaluated: 2022-07-12. Review status: criteria provided, single submitter. Criteria: Invitae Variant Classification Sherloc (09022015). Collection method: clinical testing. Allele origin: germline.
Comment: This variant is present in population databases (rs572047686, gnomAD 0.004%). This variant has not been reported in the literature in individuals affected with AP3B2-related conditions. ClinVar contains an entry for this variant (Variation ID: 1098698). Algorithms developed to predict the effect of missense changes on protein structure and function (SIFT, PolyPhen-2, Align-GVGD) all suggest that this variant is likely to be tolerated. In summary, the available evidence is currently insufficient to determine the role of this variant in disease. Therefore, it has been classified as a Variant of Uncertain Significance. This sequence change replaces arginine, which is basic and polar, with glutamine, which is neutral and polar, at codon 958 of the AP3B2 protein (p.Arg958Gln).

Revvity Omics, Revvity
Classification: Uncertain significance for Developmental and epileptic encephalopathy, 48. Last evaluated: 2021-03-08. Review status: criteria provided, single submitter. Criteria: ACMG Guidelines, 2015. Collection method: clinical testing. Allele origin: germline.

New York Genome Center
Classification: Uncertain significance for Developmental and epileptic encephalopathy, 48. Last evaluated: 2020-07-02. Review status: criteria provided, single submitter. Criteria: NYGC Assertion Criteria 2020. Collection method: clinical testing. Allele origin: germline. Observed: 1 heterozygote. Study: CSER-NYCKidSeq.